The following is an entry in ClinVar:

ClinVar aggregate classification (germline): Pathogenic (0 of 4 stars; one submission).

Conditions:
Deficiency of ferroxidase (ACEP). Also called: Deficiency of ceruloplasmin; Aceruloplasminemia; Ceruloplasmin deficiency; Familial apoceruloplasmin deficiency; Hereditary ceruloplasmin deficiency; NEURODEGENERATION WITH BRAIN IRON ACCUMULATION 10. Identifiers: Orphanet 48818, MedGen C0878682, MONDO:0011426, OMIM 604290, HP:0025498.

Submission:

GeneReviews
Classification: Pathogenic for Aceruloplasminemia. Last evaluated: 2013-04-18. Review status: no assertion criteria provided. Collection method: curation. Allele origin: unknown.
ClinVar note: Converted during submission from pathologic to Pathogenic.

NM_000096.4(CP):c.2879-1G>A

Gene: CP (ceruloplasmin; minus strand). Cytogenetic location: 3q24.
Variant type: single nucleotide variant.
Coding change: c.2879-1G>A on transcript NM_000096.4 (MANE Select); the canonical splice acceptor site of the intron before coding-DNA position 2879, G replaced by A.
Molecular consequence: splice acceptor variant.
Genome position (GRCh38, 1-based): chr3:149,177,980, C>T on the plus strand (G>A on the coding strand, the complement: CP is on the minus strand). VCF-style: chr3-149177980-C-T. GRCh37 (hg19) VCF-style: chr3-148895767-C-T.
Other names: c.2878-1G>A.
Identifiers: ClinVar variation 42155 (VCV000042155.3), dbSNP rs386134141, ClinGen allele CA344616.